The following is an entry in ClinVar:

NM_001005242.3(PKP2):c.2265G>A (p.Leu755=)

Gene: PKP2 (plakophilin 2; minus strand). Cytogenetic location: 12p11.21.
Variant type: single nucleotide variant.
Coding change: c.2265G>A on transcript NM_001005242.3 (MANE Select); coding-DNA position 2265, G replaced by A.
Protein change: p.Leu755=; no amino-acid change (leucine 755 retained).
Molecular consequence: synonymous variant.
Genome position (GRCh38, 1-based): chr12:32,796,201, C>T on the plus strand (G>A on the coding strand, the complement: PKP2 is on the minus strand). VCF-style: chr12-32796201-C-T. GRCh37 (hg19) VCF-style: chr12-32949135-C-T.
Other names: c.2397G>A, p.Leu799= (NM_004572.4).
Identifiers: ClinVar variation 78973 (VCV000078973.7), dbSNP rs267603441, ClinGen allele CA235218047.

ClinVar aggregate classification (germline): Likely benign. Review status: criteria provided, multiple submitters, no conflicts (2 of 4 stars). 3 submissions from 3 submitters: Likely benign (3). Last evaluated 2025-06-24.

Conditions:
Arrhythmogenic right ventricular cardiomyopathy (ARVD). Also called: Arrhythmogenic right ventricular dysplasia; Arrhythmogenic cardiomyopathy; Arrhythmogenic Right Ventricular Cardiomyopathy (ARVC); Cardiomyopathy, ARVC. Identifiers: Orphanet 247, MedGen C0349788, MeSH D019571, MONDO:0016587. Disease mechanism: loss of function. Inheritance: Various modes of inheritance.
Cardiomyopathy (CMYO). Also called: Cardiomyopathies. Identifiers: Orphanet 167848, MedGen C0878544, MONDO:0004994, HP:0001638. Inheritance: Various modes of inheritance.
Arrhythmogenic right ventricular dysplasia 9 (ARVD9). Also called: ARRHYTHMOGENIC RIGHT VENTRICULAR DYSPLASIA, FAMILIAL, 9; Arrhythmogenic Right Ventricular Dysplasia/Cardiomyopathy 9. Identifiers: MedGen C1836906, MONDO:0012180, OMIM 609040.

Allele frequency attached by ClinVar (database versions not stated): gnomAD exomes below 0.00001.
gnomAD v4.1: 6 of 1,613,460 alleles (0.00037%); highest among the groups gnomAD compares: Non-Finnish European, 0.00051%; no homozygotes.

Submissions (3):

Labcorp Genetics (formerly Invitae), Labcorp
Classification: Likely benign for Arrhythmogenic right ventricular dysplasia 9. Last evaluated: 2025-06-24. Review status: criteria provided, single submitter. Criteria: Invitae Variant Classification Sherloc (09022015). Collection method: clinical testing. Allele origin: germline.

All of Us Research Program, National Institutes of Health
Classification: Likely benign for Arrhythmogenic right ventricular cardiomyopathy. Last evaluated: 2024-04-25. Review status: criteria provided, single submitter. Criteria: ACMG Guidelines, 2015. Collection method: clinical testing. Allele origin: germline. Inheritance: Autosomal dominant inheritance. Observed: 2 variant alleles, 2 heterozygotes.
Comment: This study involves interpretation of variants in research participants for the purpose of population health screening. Participant phenotype was not available at the time of variant classification. Additional details can be found in publication PMID: 35346344, PMCID: PMC8962531

Color Diagnostics, LLC DBA Color Health
Classification: Likely benign for Cardiomyopathy. Last evaluated: 2020-01-28. Review status: criteria provided, single submitter. Criteria: ACMG Guidelines, 2015. Collection method: clinical testing. Allele origin: germline.